The following is an entry in ClinVar:

ClinVar aggregate classification (germline): Pathogenic. Review status: criteria provided, single submitter (1 of 4 stars). 2 submissions from 2 submitters: Pathogenic (1). 1 of the submissions does not count toward it. Last evaluated 2021-06-29.

Conditions:
Biotinidase deficiency. Also called: BTD deficiency; Late-onset biotin-responsive multiple carboxylase deficiency; Biotin deficiency. Identifiers: Orphanet 79241, MedGen C0220754, MONDO:0009665, OMIM 253260.

Submissions (2):

Women's Health and Genetics/Laboratory Corporation of America, LabCorp
Classification: Pathogenic for Biotinidase deficiency. Last evaluated: 2021-06-29. Review status: criteria provided, single submitter. Criteria: LabCorp Variant Classification Summary - May 2015. Collection method: clinical testing. Allele origin: germline.
Comment: Variant summary: BTD c.[1147T>G;1270G>C] (p.[Phe383Val;Asp424His]) variant, also known as c.[1207T>G;1330G>C] (p.[Phe403Val;Asp444His]), is a complex allele and involves the alteration of multiple nucleotides. The allele frequency of this complex variant could not be determined from large population databases such as gnomAD because the individual variants of the complex have variable frequencies and the exact number of alleles representing a combination of the two in cis is unknown. However, based on the frequency of the least prevalent allele, namely c.1147T>G, it can be estimated that the complex variant allele will be found at a frequency not to exceed 1.6e-05 in 251384 control chromosomes. This variant frequency is not higher than expected for a pathogenic variant in BTD causing Biotinidase Deficiency phenotype (0.0046). c.[1147T>G;1270G>C] has been reported in the literature in individuals affected with Biotinidase Deficiency (e.g. Norrgard_1999, Hesermann_2012, Al Hosani_2014, Haines_2014, Jay_2015). Importantly, patients homozygous for this complex variant were all reported with profound Biotinidase Deficiency and markedly reduced or absent enzyme activity (e.g. Norrgard_1999, Hesermann_2012, Haines_2014). These data indicate that the variant is very likely to be associated with disease. No clinical diagnostic laboratories have submitted clinical-significance assessments for this variant to ClinVar after 2014. Based on the evidence outlined above, the variant was classified as pathogenic.

OMIM
Classification: Pathogenic for BIOTINIDASE DEFICIENCY. Last evaluated: 1999-07-01. Review status: no assertion criteria provided. Collection method: literature only. Allele origin: germline. Not counted in ClinVar's aggregate classification.

Literature cited by the submitters: PubMed 24932929 (cited by Women's Health and Genetics/Laboratory Corporation of America, LabCorp); PubMed 22698809 (cited by Women's Health and Genetics/Laboratory Corporation of America, LabCorp); PubMed 24525934 (cited by Women's Health and Genetics/Laboratory Corporation of America, LabCorp); PubMed 25144890 (cited by Women's Health and Genetics/Laboratory Corporation of America, LabCorp); PubMed 10400129 (cited by Women's Health and Genetics/Laboratory Corporation of America, LabCorp and OMIM).

NM_000060.2(BTD):c.[1207T>G;1330G>C]

Variant type: Haplotype.
Identifiers: ClinVar variation 1904 (VCV000001904.5).